The following is an entry in ClinVar:

NM_001127511.3(APC):c.67G>T (p.Gly23Trp)

Gene: APC (APC regulator of Wnt signaling pathway; plus strand). Cytogenetic location: 5q22.2.
Variant type: single nucleotide variant.
Coding change: c.67G>T on transcript NM_001127511.3; coding-DNA position 67, G replaced by T.
Protein change: p.Gly23Trp; replaces glycine 23 with tryptophan.
Molecular consequence: missense variant. On other transcripts: 5 prime UTR variant (8), non-coding transcript variant (1), intron variant (5).
Genome position (GRCh38, 1-based): chr5:112,707,784, G>T. VCF-style: chr5-112707784-G-T. GRCh37 (hg19) VCF-style: chr5-112043481-G-T.
Other names: c.-117G>T (NM_001354895.2, NM_001407447.1, NM_001407452.1 and 3 more transcripts); c.67G>T, p.Gly23Trp (NM_001354897.2, NM_001354902.2, NM_001407446.1); c.-1152G>T (NM_001407470.1, NM_001407472.1); c.-19+135G>T (NM_001407448.1, NM_001407450.1, NM_001407457.1 and 1 more transcripts); c.-43+135G>T (NM_001407453.1); short protein forms G23W.
Identifiers: ClinVar variation 2918615 (VCV002918615.3), dbSNP rs762748481, ClinGen allele CA360611834.
Genomic context (GRCh38, chr5:112,707,784, plus strand): 5'-GCCTCCCTGGGCTCGGGTCCGGTCGCCCCTTTGCCCGCTTCTGTACCACCCTCAGTTCTC[G>T]GGTCCTGGAGCACCGGCGGCAGCAGGAGCTGCGTCCGGCAGGAGACGAAGAGCCCGGGCG-3'

ClinVar aggregate classification (germline): Uncertain significance (1 of 4 stars; one submission).

Conditions:
Familial adenomatous polyposis 1 (FAP1). Also called: FAMILIAL ADENOMATOUS POLYPOSIS 1, ATTENUATED; POLYPOSIS, ADENOMATOUS INTESTINAL. Identifiers: MedGen C2713442, MONDO:0021056, OMIM 175100. Disease mechanism: loss of function.

Submission:

Labcorp Genetics (formerly Invitae), Labcorp
Classification: Uncertain significance for Familial adenomatous polyposis 1. Last evaluated: 2025-08-18. Review status: criteria provided, single submitter. Criteria: Invitae Variant Classification Sherloc (09022015). Collection method: clinical testing. Allele origin: germline.
Comment: This variant occurs in a non-coding region of the APC gene. It does not change the encoded amino acid sequence of the APC protein. This variant is not present in population databases (gnomAD no frequency). This variant has not been reported in the literature in individuals affected with APC-related conditions. Experimental studies and prediction algorithms are not available or were not evaluated, and the functional significance of this variant is currently unknown. In summary, the available evidence is currently insufficient to determine the role of this variant in disease. Therefore, it has been classified as a Variant of Uncertain Significance.